The following is an entry in ClinVar:

NM_052963.3(TOP1MT):c.740C>T (p.Thr247Met)

Gene: TOP1MT (DNA topoisomerase I mitochondrial; minus strand). Cytogenetic location: 8q24.3.
Variant type: single nucleotide variant.
Coding change: c.740C>T on transcript NM_052963.3 (MANE Select); coding-DNA position 740, C replaced by T.
Protein change: p.Thr247Met; replaces threonine 247 with methionine.
Molecular consequence: missense variant.
Genome position (GRCh38, 1-based): chr8:143,324,561, G>A on the plus strand (C>T on the coding strand, the complement: TOP1MT is on the minus strand). VCF-style: chr8-143324561-G-A. GRCh37 (hg19) VCF-style: chr8-144406731-G-A.
Other names: c.740C>T (NM_052963.1); c.446C>T, p.Thr149Met (NM_001258446.1, NM_001258447.1); short protein forms T247M, T149M.
Identifiers: ClinVar variation 1432904 (VCV001432904.8), dbSNP rs150737353, ClinGen allele CA4908688.

ClinVar aggregate classification (germline): Conflicting classifications of pathogenicity. Review status: criteria provided, conflicting classifications (1 of 4 stars). 3 submissions from 3 submitters: Uncertain significance (2); Likely benign (1). Last evaluated 2024-09-02.

Allele frequency attached by ClinVar (database versions not stated): gnomAD exomes 0.00010 and 0.00016; ExAC 0.00022; ESP Exome Variant Server 0.00054; gnomAD 0.00065 and 0.00068; TOPMed 0.00065; 1000 Genomes Project 0.00120; 1000 Genomes Project 30x 0.00125.
gnomAD v4.1: 252 of 1,613,802 alleles (0.016%); highest among the groups gnomAD compares: African/African-American, 0.22%; no homozygotes.

Submissions (3):

Blueprint Genetics
Classification: Uncertain significance. Last evaluated: 2024-09-02. Review status: criteria provided, single submitter. Criteria: ACMG Guidelines, 2015. Collection method: clinical testing. Allele origin: germline.

Ambry Genetics
Classification: Likely benign. Last evaluated: 2024-03-07. Review status: criteria provided, single submitter. Criteria: Ambry Variant Classification Scheme 2023. Collection method: clinical testing. Allele origin: germline.

Labcorp Genetics (formerly Invitae), Labcorp
Classification: Uncertain significance. Last evaluated: 2021-12-07. Review status: criteria provided, single submitter. Criteria: Invitae Variant Classification Sherloc (09022015). Collection method: clinical testing. Allele origin: germline.
Comment: This sequence change replaces threonine, which is neutral and polar, with methionine, which is neutral and non-polar, at codon 247 of the TOP1MT protein (p.Thr247Met). This variant is present in population databases (rs150737353, gnomAD 0.2%), and has an allele count higher than expected for a pathogenic variant. This variant has not been reported in the literature in individuals affected with TOP1MT-related conditions. Algorithms developed to predict the effect of missense changes on protein structure and function output the following: SIFT: "Tolerated"; PolyPhen-2: "Possibly Damaging"; Align-GVGD: "Class C0". The methionine amino acid residue is found in multiple mammalian species, which suggests that this missense change does not adversely affect protein function. In summary, the available evidence is currently insufficient to determine the role of this variant in disease. Therefore, it has been classified as a Variant of Uncertain Significance.